The following is an entry in ClinVar:

ClinVar aggregate classification (germline): Uncertain significance (1 of 4 stars; one submission).

Conditions:
Early-infantile DEE. Also called: Early infantile epileptic encephalopathy; Early infantile epileptic encephalopathy with suppression bursts; Ohtahara syndrome. Identifiers: Orphanet 1934, MedGen C0393706, MONDO:0800491.

Allele frequency attached by ClinVar (database versions not stated): gnomAD exomes 0.00001 and 0.00004; TOPMed 0.00002; gnomAD 0.00003; ExAC 0.00007.
gnomAD v4.1: 20 of 1,613,662 alleles (0.0012%); highest among the groups gnomAD compares: Admixed American, 0.0017%; no homozygotes.

Submission:

Labcorp Genetics (formerly Invitae), Labcorp
Classification: Uncertain significance for Early-infantile DEE. Last evaluated: 2025-11-23. Review status: criteria provided, single submitter. Criteria: Invitae Variant Classification Sherloc (09022015). Collection method: clinical testing. Allele origin: germline.
Comment: This sequence change replaces threonine, which is neutral and polar, with methionine, which is neutral and non-polar, at codon 1129 of the SCN1A protein (p.Thr1129Met). This variant is present in population databases (rs779989776, gnomAD 0.009%). This missense change has been observed in individual(s) with clinical features of SCN1A-related conditions (PMID: 36636894). ClinVar contains an entry for this variant (Variation ID: 1489191). Invitae Evidence Modeling of protein sequence and biophysical properties (such as structural, functional, and spatial information, amino acid conservation, physicochemical variation, residue mobility, and thermodynamic stability) indicates that this missense variant is expected to disrupt SCN1A protein function with a positive predictive value of 95%. In summary, the available evidence is currently insufficient to determine the role of this variant in disease. Therefore, it has been classified as a Variant of Uncertain Significance.

Literature cited by the submitters: PubMed 36636894.

NM_001165963.4(SCN1A):c.3386C>T (p.Thr1129Met)

Genes: SCN1A (sodium voltage-gated channel alpha subunit 1; minus strand), LOC102724058 (uncharacterized LOC102724058; plus strand). Cytogenetic location: 2q24.3.
Variant type: single nucleotide variant.
Coding change: c.3386C>T on transcript NM_001165963.4 (MANE Select); coding-DNA position 3386, C replaced by T.
Protein change: p.Thr1129Met; replaces threonine 1129 with methionine.
Molecular consequence: missense variant. On other transcripts: non-coding transcript variant (2).
Genome position (GRCh38, 1-based): chr2:166,036,091, G>A on the plus strand (C>T on the coding strand, the complement: SCN1A is on the minus strand). VCF-style: chr2-166036091-G-A. GRCh37 (hg19) VCF-style: chr2-166892601-G-A.
Other names: c.3302C>T, p.Thr1101Met (NM_001165964.3, NM_001353957.2, NM_001353958.2); c.3386C>T, p.Thr1129Met (NM_001202435.3, NM_001353948.2); c.3353C>T, p.Thr1118Met (NM_001353949.2, NM_001353950.2, NM_001353951.2 and 2 more transcripts); c.3350C>T, p.Thr1117Met (NM_001353954.2, NM_001353955.2); c.3299C>T, p.Thr1100Met (NM_001353960.2); c.944C>T, p.Thr315Met (NM_001353961.2); short protein forms T1100M, T1118M, T1129M, T1101M, T1117M, T315M.
Identifiers: ClinVar variation 1489191 (VCV001489191.7), dbSNP rs779989776, ClinGen allele CA1942980.